The following is an entry in ClinVar:

ClinVar aggregate classification (germline): Uncertain significance (1 of 4 stars; one submission).

Conditions:
Agammaglobulinemia 4, autosomal recessive (AGM4). Also called: B cell linker protein deficiency; AGAMMAGLOBULINEMIA, AUTOSOMAL RECESSIVE, DUE TO BLNK DEFECT. Identifiers: MedGen C3150752, MONDO:0013289, OMIM 613502.

Submission:

Labcorp Genetics (formerly Invitae), Labcorp
Classification: Uncertain significance for Agammaglobulinemia 4, autosomal recessive. Last evaluated: 2020-03-10. Review status: criteria provided, single submitter. Criteria: Invitae Variant Classification Sherloc (09022015). Collection method: clinical testing. Allele origin: germline.
Comment: Experimental studies and prediction algorithms are not available or were not evaluated, and the functional significance of this variant is currently unknown. In summary, the available evidence is currently insufficient to determine the role of this variant in disease. Therefore, it has been classified as a Variant of Uncertain Significance. This variant has not been reported in the literature in individuals with BLNK-related conditions. ClinVar contains an entry for this variant (Variation ID: 583685). This variant results in a copy number gain of the genomic region encompassing the full coding sequence of the BLNK gene. The boundaries of this event are unknown as they extend beyond the assayed region for this gene and therefore may encompass additional genes. As the precise location of this event is unknown, it may be in tandem or it may be located elsewhere in the genome.

NC_000010.10:g.(?_97366499)_(98031175_?)dup

Genes: ALDH18A1 (aldehyde dehydrogenase 18 family member A1; minus strand), ZNF518A (zinc finger protein 518A; plus strand), BLNK (B cell linker; minus strand), C10orf131 (chromosome 10 open reading frame 131; plus strand), CC2D2B (coiled-coil and C2 domain containing 2B; plus strand) and 3 more. Cytogenetic location: 10q24.1.
Variant type: Duplication.
Identifiers: ClinVar variation 1062671 (VCV001062671.5).